The following is an entry in ClinVar:

ClinVar aggregate classification (germline): Uncertain significance (1 of 4 stars; one submission).

Conditions:
Inborn genetic diseases. Identifiers: MedGen C0950123, MeSH D030342.

gnomAD v4.1: 1 of 1,610,504 alleles (0.000062%); highest among the groups gnomAD compares: Non-Finnish European, 0.000085%; no homozygotes.

Submission:

Ambry Genetics
Classification: Uncertain significance for Inborn genetic diseases. Last evaluated: 2024-10-25. Review status: criteria provided, single submitter. Criteria: Ambry Variant Classification Scheme 2023. Collection method: clinical testing. Allele origin: germline.
Comment: The p.S2313Y variant (also known as c.6938C>A), located in coding exon 41 of the ATR gene, results from a C to A substitution at nucleotide position 6938. The serine at codon 2313 is replaced by tyrosine, an amino acid with dissimilar properties. This amino acid position is conserved. In addition, the in silico prediction for this alteration is inconclusive. Based on the available evidence, the clinical significance of this variant remains unclear.

NM_001184.4(ATR):c.6938C>A (p.Ser2313Tyr)

Gene: ATR (ATR serine/threonine kinase; minus strand). Cytogenetic location: 3q23.
Variant type: single nucleotide variant.
Coding change: c.6938C>A on transcript NM_001184.4 (MANE Select); coding-DNA position 6938, C replaced by A.
Protein change: p.Ser2313Tyr; replaces serine 2313 with tyrosine.
Molecular consequence: missense variant.
Genome position (GRCh38, 1-based): chr3:142,465,200, G>T on the plus strand (C>A on the coding strand, the complement: ATR is on the minus strand). VCF-style: chr3-142465200-G-T. GRCh37 (hg19) VCF-style: chr3-142184042-G-T.
Other names: c.6746C>A, p.Ser2249Tyr (NM_001354579.2); short protein forms S2249Y, S2313Y.
Identifiers: ClinVar variation 3461977 (VCV003461977.1).